The following is an entry in ClinVar:

NM_004655.4(AXIN2):c.2001C>A (p.Ser667Arg)

Gene: AXIN2 (axin 2; minus strand). Cytogenetic location: 17q24.1.
Variant type: single nucleotide variant.
Coding change: c.2001C>A on transcript NM_004655.4 (MANE Select); coding-DNA position 2001, C replaced by A.
Protein change: p.Ser667Arg; replaces serine 667 with arginine.
Molecular consequence: missense variant.
Genome position (GRCh38, 1-based): chr17:65,536,460, G>T on the plus strand (C>A on the coding strand, the complement: AXIN2 is on the minus strand). VCF-style: chr17-65536460-G-T. GRCh37 (hg19) VCF-style: chr17-63532578-G-T.
Other names: c.1806C>A, p.Ser602Arg (NM_001363813.1); short protein forms S602R, S667R.
Identifiers: ClinVar variation 3258300 (VCV003258300.3).

ClinVar aggregate classification (germline): Uncertain significance. Review status: criteria provided, multiple submitters, no conflicts (2 of 4 stars). 2 submissions from 2 submitters: Uncertain significance (2). Last evaluated 2024-06-18.

Conditions:
Hereditary cancer-predisposing syndrome. Also called: Hereditary Cancer Syndrome; Tumor predisposition; Hereditary neoplastic syndrome; Neoplastic Syndromes, Hereditary. Identifiers: Orphanet 140162, MedGen C0027672, MeSH D009386, MONDO:0015356.
Oligodontia-cancer predisposition syndrome. Also called: TOOTH AGENESIS-COLORECTAL CANCER SYNDROME. Identifiers: Orphanet 300576, MedGen C1837750, MONDO:0012075, OMIM 608615. Disease mechanism: loss of function.

Submissions (2):

Ambry Genetics
Classification: Uncertain significance for Hereditary cancer-predisposing syndrome. Last evaluated: 2024-06-18. Review status: criteria provided, single submitter. Criteria: Ambry Variant Classification Scheme 2023. Collection method: clinical testing. Allele origin: germline.
Comment: The p.S667R variant (also known as c.2001C>A), located in coding exon 7 of the AXIN2 gene, results from a C to A substitution at nucleotide position 2001. The serine at codon 667 is replaced by arginine, an amino acid with dissimilar properties. This amino acid position is conserved. In addition, this alteration is predicted to be tolerated by in silico analysis. Based on the available evidence, the clinical significance of this variant remains unclear.

Labcorp Genetics (formerly Invitae), Labcorp
Classification: Uncertain significance for Oligodontia-cancer predisposition syndrome. Last evaluated: 2024-04-22. Review status: criteria provided, single submitter. Criteria: Invitae Variant Classification Sherloc (09022015). Collection method: clinical testing. Allele origin: germline.
Comment: This sequence change replaces serine, which is neutral and polar, with arginine, which is basic and polar, at codon 667 of the AXIN2 protein (p.Ser667Arg). This variant is not present in population databases (gnomAD no frequency). This variant has not been reported in the literature in individuals affected with AXIN2-related conditions. Advanced modeling of protein sequence and biophysical properties (such as structural, functional, and spatial information, amino acid conservation, physicochemical variation, residue mobility, and thermodynamic stability) performed at Invitae indicates that this missense variant is not expected to disrupt AXIN2 protein function with a negative predictive value of 80%. In summary, the available evidence is currently insufficient to determine the role of this variant in disease. Therefore, it has been classified as a Variant of Uncertain Significance.